The following is an entry in ClinVar:

ClinVar aggregate classification (germline): Likely benign (0 of 4 stars; one submission).

Conditions:
CD6-related disorder. Also called: CD6-related condition.

Allele frequency attached by ClinVar (database versions not stated): ExAC 0.00003; gnomAD 0.00003; TOPMed 0.00003; gnomAD exomes 0.00005; 1000 Genomes Project 30x 0.00031; 1000 Genomes Project 0.00040.
gnomAD v4.1: 78 of 1,610,666 alleles (0.0048%); highest among the groups gnomAD compares: East Asian, 0.018%; no homozygotes.

Submission:

PreventionGenetics, part of Exact Sciences
Classification: Likely benign for CD6-related condition. Last evaluated: 2019-03-05. Review status: no assertion criteria provided. Collection method: clinical testing. Allele origin: germline.
Comment: This variant is classified as likely benign based on ACMG/AMP sequence variant interpretation guidelines (Richards et al. 2015 PMID: 25741868, with internal and published modifications).

NM_006725.5(CD6):c.1299C>T (p.Pro433=)

Gene: CD6 (CD6 molecule; plus strand). Cytogenetic location: 11q12.2.
Variant type: single nucleotide variant.
Coding change: c.1299C>T on transcript NM_006725.5 (MANE Select); coding-DNA position 1299, C replaced by T.
Protein change: p.Pro433=; no amino-acid change (proline 433 retained).
Molecular consequence: synonymous variant. On other transcripts: non-coding transcript variant (1), intron variant (1).
Genome position (GRCh38, 1-based): chr11:61,013,926, C>T. VCF-style: chr11-61013926-C-T. GRCh37 (hg19) VCF-style: chr11-60781398-C-T.
Other names: c.1299C>T, p.Pro433= (NM_001254751.2); c.1291+363C>T (NM_001254750.2).
Identifiers: ClinVar variation 3057359 (VCV003057359.2), dbSNP rs567700137, ClinGen allele CA6030158.